The following is an entry in ClinVar:

NM_031475.3(ESPN):c.493G>A (p.Val165Met)

Gene: ESPN (espin; plus strand). Cytogenetic location: 1p36.31.
Variant type: single nucleotide variant.
Coding change: c.493G>A on transcript NM_031475.3 (MANE Select); coding-DNA position 493, G replaced by A.
Protein change: p.Val165Met; replaces valine 165 with methionine.
Molecular consequence: missense variant.
Genome position (GRCh38, 1-based): chr1:6,440,258, G>A. VCF-style: chr1-6440258-G-A. GRCh37 (hg19) VCF-style: chr1-6500318-G-A.
Other names: c.493G>A, p.Val165Met (NM_001367473.1, NM_001367474.1); short protein forms V165M.
Identifiers: ClinVar variation 1303441 (VCV001303441.12), dbSNP rs867037570, ClinGen allele CA17202441.

ClinVar aggregate classification (germline): Uncertain significance. Review status: criteria provided, multiple submitters, no conflicts (2 of 4 stars). 8 submissions from 8 submitters: Uncertain significance (7). 1 of the submissions does not count toward it. Last evaluated 2026-07-14.

Conditions:
Retinal dystrophy. Also called: Inherited retinal dystrophy. Identifiers: Orphanet 71862, MedGen C0854723, MeSH D058499, MONDO:0019118, HP:0000556.
ESPN-related disorder. Also called: ESPN-related condition.
Inborn genetic diseases. Identifiers: MedGen C0950123, MeSH D030342.

Allele frequency attached by ClinVar (database versions not stated): gnomAD 0.00004; gnomAD exomes 0.00005; TOPMed 0.00005.

Submissions (8):

PreventionGenetics, part of Exact Sciences
Classification: Uncertain significance for ESPN-related condition. Last evaluated: 2026-07-14. Review status: criteria provided, single submitter. Criteria: ACMG Guidelines, 2015. Collection method: clinical testing. Allele origin: germline.
Comment: The ESPN c.493G>A variant is predicted to result in the amino acid substitution p.Val165Met. To our knowledge, this variant has not been reported in the literature. This variant is reported in 0.0088% of alleles in individuals of South Asian descent in gnomAD. At this time, the clinical significance of this variant is uncertain due to the absence of conclusive functional and genetic evidence.

Labcorp Genetics (formerly Invitae), Labcorp
Classification: Uncertain significance. Last evaluated: 2025-07-14. Review status: criteria provided, single submitter. Criteria: Invitae Variant Classification Sherloc (09022015). Collection method: clinical testing. Allele origin: germline.
Comment: This sequence change replaces valine, which is neutral and non-polar, with methionine, which is neutral and non-polar, at codon 165 of the ESPN protein (p.Val165Met). The frequency data for this variant in the population databases is considered unreliable, as metrics indicate poor data quality at this position in the gnomAD database. This variant has not been reported in the literature in individuals affected with ESPN-related conditions. ClinVar contains an entry for this variant (Variation ID: 1303441). An algorithm developed to predict the effect of missense changes on protein structure and function (PolyPhen-2) suggests that this variant is likely to be tolerated. In summary, the available evidence is currently insufficient to determine the role of this variant in disease. Therefore, it has been classified as a Variant of Uncertain Significance.

Blueprint Genetics
Classification: Uncertain significance. Last evaluated: 2024-05-30. Review status: criteria provided, single submitter. Criteria: ACMG Guidelines, 2015. Collection method: clinical testing. Allele origin: germline.

Ambry Genetics
Classification: Uncertain significance for Inborn genetic diseases. Last evaluated: 2024-05-08. Review status: criteria provided, single submitter. Criteria: Ambry Variant Classification Scheme 2023. Collection method: clinical testing. Allele origin: germline.

GeneDx
Classification: Uncertain significance. Last evaluated: 2020-01-17. Review status: criteria provided, single submitter. Criteria: GeneDx Variant Classification Process June 2021. Collection method: clinical testing. Allele origin: germline. Affected: yes.
Comment: In silico analysis, which includes protein predictors and evolutionary conservation, supports that this variant does not alter protein structure/function; Has not been previously published as pathogenic or benign to our knowledge

Revvity Omics, Revvity
Classification: Uncertain significance. Last evaluated: 2019-03-24. Review status: criteria provided, single submitter. Criteria: ACMG Guidelines, 2015. Collection method: clinical testing. Allele origin: germline.

Breakthrough Genomics
Classification: Uncertain significance. Review status: criteria provided, single submitter. Criteria: ACMG Guidelines, 2015. Collection method: not provided. Allele origin: germline. Inheritance: Autosomal recessive inheritance. Affected: yes.

Institute of Human Genetics, Univ. Regensburg, Univ. Regensburg
Classification: Uncertain significance for Retinal dystrophy. Last evaluated: 2022-01-01. Review status: no assertion criteria provided. Criteria: ACMG Guidelines, 2015. Collection method: clinical testing. Allele origin: germline. Affected: yes. Not counted in ClinVar's aggregate classification.